The following is an entry in ClinVar:

ClinVar aggregate classification (germline): Uncertain significance. Review status: criteria provided, multiple submitters, no conflicts (2 of 4 stars). 2 submissions from 2 submitters: Uncertain significance (2). Last evaluated 2024-07-01.

Conditions:
Inborn genetic diseases. Identifiers: MedGen C0950123, MeSH D030342.

Allele frequency attached by ClinVar (database versions not stated): ExAC 0.00001; gnomAD exomes 0.00001; TOPMed 0.00002; gnomAD 0.00003.
gnomAD v4.1: 8 of 1,613,802 alleles (0.0005%); highest among the groups gnomAD compares: African/African-American, 0.0027%; no homozygotes.

Submissions (2):

Ambry Genetics
Classification: Uncertain significance for Inborn genetic diseases. Last evaluated: 2024-07-01. Review status: criteria provided, single submitter. Criteria: Ambry Variant Classification Scheme 2023. Collection method: clinical testing. Allele origin: germline.

Labcorp Genetics (formerly Invitae), Labcorp
Classification: Uncertain significance. Last evaluated: 2021-12-02. Review status: criteria provided, single submitter. Criteria: Invitae Variant Classification Sherloc (09022015). Collection method: clinical testing. Allele origin: germline.
Comment: This sequence change replaces glutamic acid, which is acidic and polar, with lysine, which is basic and polar, at codon 168 of the MLC1 protein (p.Glu168Lys). This variant is present in population databases (rs753096633, gnomAD 0.003%). This variant has not been reported in the literature in individuals affected with MLC1-related conditions. Algorithms developed to predict the effect of missense changes on protein structure and function are either unavailable or do not agree on the potential impact of this missense change (SIFT: "Tolerated"; PolyPhen-2: "Probably Damaging"; Align-GVGD: "Class C0"). In summary, the available evidence is currently insufficient to determine the role of this variant in disease. Therefore, it has been classified as a Variant of Uncertain Significance.

NM_015166.4(MLC1):c.502G>A (p.Glu168Lys)

Gene: MLC1 (modulator of VRAC current 1; minus strand). Cytogenetic location: 22q13.33.
Variant type: single nucleotide variant.
Coding change: c.502G>A on transcript NM_015166.4 (MANE Select); coding-DNA position 502, G replaced by A.
Protein change: p.Glu168Lys; replaces glutamic acid 168 with lysine.
Molecular consequence: missense variant. On other transcripts: non-coding transcript variant (3).
Genome position (GRCh38, 1-based): chr22:50,077,424, C>T on the plus strand (G>A on the coding strand, the complement: MLC1 is on the minus strand). VCF-style: chr22-50077424-C-T. GRCh37 (hg19) VCF-style: chr22-50515853-C-T.
Other names: c.502G>A, p.Glu168Lys (NM_001376472.1, NM_001376473.1, NM_001376474.1 and 6 more transcripts); c.412G>A, p.Glu138Lys (NM_001376480.1); c.400G>A, p.Glu134Lys (NM_001376481.1); c.346G>A, p.Glu116Lys (NM_001376482.1, NM_001376483.1); c.265G>A, p.Glu89Lys (NM_001376484.1); c.502G>A (NM_015166.3); short protein forms E89K, E116K, E134K, E138K, E168K.
Identifiers: ClinVar variation 2164802 (VCV002164802.2), dbSNP rs753096633, ClinGen allele CA10303522.